The following is an entry in ClinVar:

NM_002253.4(KDR):c.1116G>C (p.Glu372Asp)

Gene: KDR (kinase insert domain receptor; minus strand). Cytogenetic location: 4q12.
Variant type: single nucleotide variant.
Coding change: c.1116G>C on transcript NM_002253.4 (MANE Select); coding-DNA position 1116, G replaced by C.
Protein change: p.Glu372Asp; replaces glutamic acid 372 with aspartic acid.
Molecular consequence: missense variant.
Genome position (GRCh38, 1-based): chr4:55,110,542, C>G on the plus strand (G>C on the coding strand, the complement: KDR is on the minus strand). VCF-style: chr4-55110542-C-G. GRCh37 (hg19) VCF-style: chr4-55976709-C-G.
Other names: c.1116G>C (NM_002253.3); short protein forms E372D.
Identifiers: ClinVar variation 134619 (VCV000134619.7), dbSNP rs113121239, ClinGen allele CA160343.

ClinVar aggregate classification (germline): Benign. Review status: criteria provided, multiple submitters, no conflicts (2 of 4 stars). 4 submissions from 4 submitters: Benign (3). 1 of the submissions does not count toward it. Last evaluated 2021-07-30.

Conditions:
Capillary infantile hemangioma. Also called: Hemangioma, capillary infantile, somatic; HEMANGIOMA, HEREDITARY CAPILLARY; Hereditary capillary infantile hemangioma. Identifiers: MedGen C1865871, MONDO:0011191, OMIM 602089.

Allele frequency attached by ClinVar (database versions not stated): gnomAD exomes 0.00067 and 0.00184; ExAC 0.00244; ESP Exome Variant Server 0.00654; gnomAD 0.00691; TOPMed 0.00748; 1000 Genomes Project 0.00938; 1000 Genomes Project 30x 0.00984.
gnomAD v4.1: 2,147 of 1,613,908 alleles (0.13%); highest among the groups gnomAD compares: African/African-American, 2.5%; 30 homozygotes.

Submissions (4):

Department of Pathology and Laboratory Medicine, Sinai Health System
Classification: Benign for Capillary infantile hemangioma. Last evaluated: 2021-07-30. Review status: criteria provided, single submitter. Criteria: ACMG Guidelines, 2015. Collection method: research. Allele origin: germline.

Labcorp Genetics (formerly Invitae), Labcorp
Classification: Benign. Last evaluated: 2019-12-31. Review status: criteria provided, single submitter. Criteria: Invitae Variant Classification Sherloc (09022015). Collection method: clinical testing. Allele origin: germline.

Breakthrough Genomics
Classification: Benign. Review status: criteria provided, single submitter. Criteria: ACMG Guidelines, 2015. Collection method: not provided. Allele origin: germline. Inheritance: Autosomal dominant inheritance. Affected: yes.

ITMI
No classification provided. Condition: AllHighlyPenetrant. Last evaluated: 2013-09-19. Review status: no classification provided. Collection method: reference population. Allele origin: germline. Not counted in ClinVar's aggregate classification.
Comment: Please see associated publication for description of ethnicities

Literature cited by the submitters: PubMed 24728327 (cited by ITMI).